The following is an entry in ClinVar:

NM_001136472.2(LITAF):c.358G>A (p.Gly120Arg)

Gene: LITAF (lipopolysaccharide induced TNF factor; minus strand). Cytogenetic location: 16p13.13.
Variant type: single nucleotide variant.
Coding change: c.358G>A on transcript NM_001136472.2 (MANE Select); coding-DNA position 358, G replaced by A.
Protein change: p.Gly120Arg; replaces glycine 120 with arginine.
Molecular consequence: missense variant. On other transcripts: non-coding transcript variant (1).
Genome position (GRCh38, 1-based): chr16:11,553,552, C>T on the plus strand (G>A on the coding strand, the complement: LITAF is on the minus strand). VCF-style: chr16-11553552-C-T. GRCh37 (hg19) VCF-style: chr16-11647408-C-T.
Other names: c.358G>A, p.Gly120Arg (NM_001136473.1, NM_004862.4); short protein forms G120R.
Identifiers: ClinVar variation 2055073 (VCV002055073.4), dbSNP rs1475192470, ClinGen allele CA394765173.

ClinVar aggregate classification (germline): Uncertain significance (1 of 4 stars; one submission).

Conditions:
Charcot-Marie-Tooth disease type 1C. Also called: CHARCOT-MARIE-TOOTH DISEASE, DEMYELINATING, TYPE 1C; CHARCOT-MARIE-TOOTH NEUROPATHY, TYPE 1C; NEUROPATHY, HEREDITARY MOTOR AND SENSORY, TYPE IC; CMT, SLOW NERVE CONDUCTION TYPE C; HMSN IC; Charcot-Marie-Tooth disease, type IC. Identifiers: Orphanet 101083, MedGen C0270913, MONDO:0010995, OMIM 601098.

Allele frequency attached by ClinVar (database versions not stated): TOPMed 0.00001; gnomAD 0.00001; gnomAD exomes below 0.00001.
gnomAD v4.1: 2 of 1,613,974 alleles (0.00012%); highest among the groups gnomAD compares: Admixed American, 0.0017%; no homozygotes.

Submission:

Labcorp Genetics (formerly Invitae), Labcorp
Classification: Uncertain significance for Charcot-Marie-Tooth disease type 1C. Last evaluated: 2021-12-21. Review status: criteria provided, single submitter. Criteria: Invitae Variant Classification Sherloc (09022015). Collection method: clinical testing. Allele origin: germline.
Comment: In summary, the available evidence is currently insufficient to determine the role of this variant in disease. Therefore, it has been classified as a Variant of Uncertain Significance. Algorithms developed to predict the effect of sequence changes on RNA splicing suggest that this variant may create or strengthen a splice site. Algorithms developed to predict the effect of missense changes on protein structure and function are either unavailable or do not agree on the potential impact of this missense change (SIFT: "Deleterious"; PolyPhen-2: "Benign"; Align-GVGD: "Class C15"). This variant has not been reported in the literature in individuals affected with LITAF-related conditions. This variant is not present in population databases (gnomAD no frequency). This sequence change replaces glycine, which is neutral and non-polar, with arginine, which is basic and polar, at codon 120 of the LITAF protein (p.Gly120Arg).